The following is an entry in ClinVar:

ClinVar aggregate classification (germline): Uncertain significance (1 of 4 stars; one submission).

Allele frequency attached by ClinVar (database versions not stated): ExAC 0.00001; gnomAD exomes 0.00001 and 0.00002; TOPMed 0.00002; gnomAD 0.00003.
gnomAD v4.1: 18 of 1,591,146 alleles (0.0011%); highest among the groups gnomAD compares: Admixed American, 0.0033%; no homozygotes.

Submission:

Labcorp Genetics (formerly Invitae), Labcorp
Classification: Uncertain significance. Last evaluated: 2022-07-05. Review status: criteria provided, single submitter. Criteria: Invitae Variant Classification Sherloc (09022015). Collection method: clinical testing. Allele origin: germline.
Comment: This sequence change falls in intron 17 of the LIG1 gene. It does not directly change the encoded amino acid sequence of the LIG1 protein. It affects a nucleotide within the consensus splice site. This variant is present in population databases (rs762044759, gnomAD 0.003%). This variant has not been reported in the literature in individuals affected with LIG1-related conditions. ClinVar contains an entry for this variant (Variation ID: 1502202). Variants that disrupt the consensus splice site are a relatively common cause of aberrant splicing (PMID: 17576681, 9536098). Algorithms developed to predict the effect of sequence changes on RNA splicing suggest that this variant may disrupt the consensus splice site. In summary, the available evidence is currently insufficient to determine the role of this variant in disease. Therefore, it has been classified as a Variant of Uncertain Significance.

Literature cited by the submitters: PubMed 17576681; PubMed 9536098.

NM_000234.3(LIG1):c.1610-3C>G

Gene: LIG1 (DNA ligase 1; minus strand). Cytogenetic location: 19q13.33.
Variant type: single nucleotide variant.
Coding change: c.1610-3C>G on transcript NM_000234.3 (MANE Select); 3 bases into the intron before coding-DNA position 1610, C replaced by G.
Molecular consequence: intron variant.
Genome position (GRCh38, 1-based): chr19:48,133,100, G>C on the plus strand (C>G on the coding strand, the complement: LIG1 is on the minus strand). VCF-style: chr19-48133100-G-C. GRCh37 (hg19) VCF-style: chr19-48636357-G-C.
Other names: c.1517-3C>G (NM_001289063.2); c.1520-3C>G (NM_001320971.2); c.1406-3C>G (NM_001289064.2); c.1607-3C>G (NM_001320970.2).
Identifiers: ClinVar variation 1502202 (VCV001502202.3), dbSNP rs762044759, ClinGen allele CA9546762.
Genomic context (GRCh38, chr19:48,133,100, plus strand): 5'-TTCAGGACCTCGCTGATGCCCCGGGTGGGATGGGCCAACATTGGTTTCAGGGGAATCCCT[G>C]GGAAAGGAGGAGAGTGAGTTAGAGGAGAGGGAAGGCAATGGATTAGAGGGGGAACATGGA-3'